The following is an entry in ClinVar:

NM_001363711.2(DUOX2):c.52G>A (p.Gly18Arg)

Gene: DUOX2 (dual oxidase 2; minus strand). Cytogenetic location: 15q21.1.
Variant type: single nucleotide variant.
Coding change: c.52G>A on transcript NM_001363711.2 (MANE Select); coding-DNA position 52, G replaced by A.
Protein change: p.Gly18Arg; replaces glycine 18 with arginine.
Molecular consequence: missense variant.
Genome position (GRCh38, 1-based): chr15:45,113,360, C>T on the plus strand (G>A on the coding strand, the complement: DUOX2 is on the minus strand). VCF-style: chr15-45113360-C-T. GRCh37 (hg19) VCF-style: chr15-45405558-C-T.
Other names: c.52G>A, p.Gly18Arg (NM_014080.5); short protein forms G18R.
Identifiers: ClinVar variation 2695800 (VCV002695800.3), dbSNP rs772115080, ClinGen allele CA392280494.

ClinVar aggregate classification (germline): Uncertain significance (1 of 4 stars; one submission).

Submission:

Labcorp Genetics (formerly Invitae), Labcorp
Classification: Uncertain significance. Last evaluated: 2023-07-25. Review status: criteria provided, single submitter. Criteria: Invitae Variant Classification Sherloc (09022015). Collection method: clinical testing. Allele origin: germline.
Comment: In summary, the available evidence is currently insufficient to determine the role of this variant in disease. Therefore, it has been classified as a Variant of Uncertain Significance. Advanced modeling of protein sequence and biophysical properties (such as structural, functional, and spatial information, amino acid conservation, physicochemical variation, residue mobility, and thermodynamic stability) performed at Invitae indicates that this missense variant is not expected to disrupt DUOX2 protein function. This sequence change replaces glycine, which is neutral and non-polar, with arginine, which is basic and polar, at codon 18 of the DUOX2 protein (p.Gly18Arg). This variant is not present in population databases (gnomAD no frequency). This variant has not been reported in the literature in individuals affected with DUOX2-related conditions.